The following is an entry in ClinVar:

ClinVar aggregate classification (germline): Likely pathogenic (1 of 4 stars; one submission).

Conditions:
Galactosylceramide beta-galactosidase deficiency. Also called: Leukodystrophy, Globoid Cell; Krabbe Disease; GALACTOCEREBROSIDASE DEFICIENCY; GALC DEFICIENCY; GLOBOID CELL LEUKOENCEPHALOPATHY. Identifiers: Orphanet 487, MedGen C0023521, MONDO:0009499, OMIM 245200.

Submission:

Natera, Inc.
Classification: Likely pathogenic for Galactosylceramide beta-galactosidase deficiency. Last evaluated: 2024-06-04. Review status: criteria provided, single submitter. Criteria: Natera Variant Classification Schema (03/2026). Collection method: clinical testing. Allele origin: germline.
Comment: The c.1004_1007del variant in GALC is a frameshift variant predicted to shift the reading frame beginning at codon 335 and leads to a stop codon 2 codons downstream. This variant is expected to result in nonsense mediated decay, truncation, or a dysfunctional protein product. This variant is rare in the general population with a frequency below the threshold expected for the associated phenotype(s). Given the available evidence, this variant is classified as Likely Pathogenic.

NM_000153.4(GALC):c.1004_1007del (p.Tyr335fs)

Gene: GALC (galactosylceramidase; minus strand). Cytogenetic location: 14q31.3.
Variant type: Deletion.
Coding change: c.1004_1007del on transcript NM_000153.4 (MANE Select); coding-DNA positions 1004 to 1007, 4 bases deleted (ACGT; older notation c.1004_1007delACGT).
Protein change: p.Tyr335fs; shifts the reading frame from tyrosine 335.
Molecular consequence: frameshift variant. On other transcripts: non-coding transcript variant (1).
Genome position (GRCh38, 1-based): chr14:87,965,531-87,965,534, ACGT deleted on the plus strand (ACGT on the coding strand, the reverse complement: GALC is on the minus strand); deleting any 4 consecutive bases within chr14:87,965,531-87,965,535 gives the same sequence; the c. name uses the placement nearest the transcript's 3' end. VCF-style (leftmost placement, unchanged base first): chr14-87965530-CACGT-C. GRCh37 (hg19) VCF-style: chr14-88431874-CACGT-C.
Other names: c.935_938del, p.Tyr312fs (NM_001201401.2); c.926_929del, p.Tyr309fs (NM_001201402.2); c.836_839del, p.Tyr279fs (NM_001424071.1, NM_001424072.1, NM_001424073.1); c.656_659del, p.Tyr219fs (NM_001424074.1, NM_001424075.1); c.371_374del, p.Tyr124fs (NM_001424076.1, NM_001424077.1); short protein forms Y124fs, Y219fs, Y279fs, Y309fs, Y312fs, Y335fs.
Identifiers: ClinVar variation 4817599 (VCV004817599.1).